The following is an entry in ClinVar:

ClinVar aggregate classification (germline): Pathogenic (1 of 4 stars; one submission).

Conditions:
Mucopolysaccharidosis, MPS-IV-A (MPS4A). Also called: Mucopolysaccharidosis type IV A; Mucopolysaccharidosis Type IVA; Morquio syndrome A, mild; MORQUIO SYNDROME A; MPS IVA; mucopolysaccharidosis type 4A. Identifiers: Orphanet 309297, Orphanet 582, MedGen C0086651, MONDO:0009659, OMIM 253000.

Allele frequency attached by ClinVar (database versions not stated): gnomAD exomes below 0.00001; TOPMed below 0.00001; ExAC 0.00001; gnomAD 0.00001.

Submission:

Laboratory of Diagnosis and Therapy of Lysosomal Disorders, University of Padova
Classification: Pathogenic for Mucopolysaccharidosis, MPS-IV-A. Last evaluated: 2021-02-01. Review status: criteria provided, single submitter. Criteria: ACMG Guidelines, 2015. Collection method: curation. Allele origin: germline. Affected: yes.
Comment: Nonsense variant (PVS1_very strong); in vivo functional studies supportive of a damaging effect on the gene product (low to null enzymatic activity in homozygotes; PS3_supporting); the prevalence of the variant in affected individuals is significantly increased compared with the prevalence in controls (PS4_moderate); very low frequency in gnomAD v2.1.1 (PM2_moderate)

Literature cited by the submitters: PubMed 24726177; PubMed 34387910.

NM_000512.5(GALNS):c.422G>A (p.Trp141Ter)

Gene: GALNS (galactosamine (N-acetyl)-6-sulfatase; minus strand). Cytogenetic location: 16q24.3.
Variant type: single nucleotide variant.
Coding change: c.422G>A on transcript NM_000512.5 (MANE Select); coding-DNA position 422, G replaced by A.
Protein change: p.Trp141Ter; replaces tryptophan 141 with a stop codon.
Molecular consequence: nonsense. On other transcripts: 5 prime UTR variant (1).
Genome position (GRCh38, 1-based): chr16:88,840,992, C>T on the plus strand (G>A on the coding strand, the complement: GALNS is on the minus strand). VCF-style: chr16-88840992-C-T. GRCh37 (hg19) VCF-style: chr16-88907400-C-T.
Other names: c.-134G>A (NM_001323543.2); c.440G>A, p.Trp147Ter (NM_001323544.2); short protein forms W141*, W147*.
Identifiers: ClinVar variation 1048398 (VCV001048398.3), dbSNP rs746862066, ClinGen allele CA8235166.